The following is an entry in ClinVar:

NM_020754.4(ARHGAP31):c.1150G>A (p.Gly384Ser)

Gene: ARHGAP31 (Rho GTPase activating protein 31; plus strand). Cytogenetic location: 3q13.33.
Variant type: single nucleotide variant.
Coding change: c.1150G>A on transcript NM_020754.4 (MANE Select); coding-DNA position 1150, G replaced by A.
Protein change: p.Gly384Ser; replaces glycine 384 with serine.
Molecular consequence: missense variant.
Genome position (GRCh38, 1-based): chr3:119,401,902, G>A. VCF-style: chr3-119401902-G-A. GRCh37 (hg19) VCF-style: chr3-119120749-G-A.
Other names: short protein forms G384S.
Identifiers: ClinVar variation 2575228 (VCV002575228.5), dbSNP rs747126561, ClinGen allele CA2553770.

ClinVar aggregate classification (germline): Conflicting classifications of pathogenicity. Review status: criteria provided, conflicting classifications (1 of 4 stars). 2 submissions from 2 submitters: Uncertain significance (1); Likely benign (1). Last evaluated 2023-06-22.

Conditions:
Adams-Oliver syndrome 1 (AOS1). Also called: ABSENCE DEFECT OF LIMBS, SCALP, AND SKULL; CONGENITAL SCALP DEFECTS WITH DISTAL LIMB REDUCTION ANOMALIES; APLASIA CUTIS CONGENITA WITH TERMINAL TRANSVERSE LIMB DEFECTS. Identifiers: Orphanet 974, MedGen C4551482, MONDO:0024506, OMIM 100300.

Allele frequency attached by ClinVar (database versions not stated): ExAC 0.00001; gnomAD exomes 0.00001.
gnomAD v4.1: 8 of 1,614,028 alleles (0.0005%); highest among the groups gnomAD compares: South Asian, 0.0011%; no homozygotes.

Submissions (2):

Johns Hopkins Genomics, Johns Hopkins University
Classification: Likely benign for Adams-Oliver syndrome 1. Last evaluated: 2023-06-22. Review status: criteria provided, single submitter. Criteria: ACMG Guidelines, 2015. Collection method: clinical testing. Allele origin: germline.

Labcorp Genetics (formerly Invitae), Labcorp
Classification: Uncertain significance. Last evaluated: 2022-12-05. Review status: criteria provided, single submitter. Criteria: Invitae Variant Classification Sherloc (09022015). Collection method: clinical testing. Allele origin: germline.
Comment: In summary, the available evidence is currently insufficient to determine the role of this variant in disease. Therefore, it has been classified as a Variant of Uncertain Significance. This variant is present in population databases (rs747126561, gnomAD 0.002%). This variant has not been reported in the literature in individuals affected with ARHGAP31-related conditions. This sequence change replaces glycine, which is neutral and non-polar, with serine, which is neutral and polar, at codon 384 of the ARHGAP31 protein (p.Gly384Ser). Algorithms developed to predict the effect of missense changes on protein structure and function output the following: SIFT: "Tolerated"; PolyPhen-2: "Benign"; Align-GVGD: "Class C0". The serine amino acid residue is found in multiple mammalian species, which suggests that this missense change does not adversely affect protein function.